The following is an entry in ClinVar:

NM_030665.4(RAI1):c.4245T>A (p.Ser1415Arg)

Gene: RAI1 (retinoic acid induced 1; plus strand). Cytogenetic location: 17p11.2.
Variant type: single nucleotide variant.
Coding change: c.4245T>A on transcript NM_030665.4 (MANE Select); coding-DNA position 4245, T replaced by A.
Protein change: p.Ser1415Arg; replaces serine 1415 with arginine.
Molecular consequence: missense variant.
Genome position (GRCh38, 1-based): chr17:17,797,193, T>A. VCF-style: chr17-17797193-T-A. GRCh37 (hg19) VCF-style: chr17-17700507-T-A.
Other names: short protein forms S1415R.
Identifiers: ClinVar variation 2693578 (VCV002693578.3), dbSNP rs2543618310, ClinGen allele CA398556186.
Genomic context (GRCh38, chr17:17,797,193, plus strand): 5'-GGCTGATCCGTTATGCAGAAATCCAACCAACAGATCCTTAAAAGGCAAACTCATGAACAG[T>A]AAGAAACTGTCTTCTACTGACTGTTTCAAAACCGAGGCCTTCACATCCCCGGAGGCCCTG-3'
Protein context (NP_109590.3, residues 1405-1425): NRSLKGKLMN[Ser1415Arg]KKLSSTDCFK

ClinVar aggregate classification (germline): Uncertain significance (1 of 4 stars; one submission).

Submission:

Labcorp Genetics (formerly Invitae), Labcorp
Classification: Uncertain significance. Last evaluated: 2023-11-06. Review status: criteria provided, single submitter. Criteria: Invitae Variant Classification Sherloc (09022015). Collection method: clinical testing. Allele origin: germline.
Comment: This sequence change replaces serine, which is neutral and polar, with arginine, which is basic and polar, at codon 1415 of the RAI1 protein (p.Ser1415Arg). This variant is not present in population databases (gnomAD no frequency). This variant has not been reported in the literature in individuals affected with RAI1-related conditions. Advanced modeling of protein sequence and biophysical properties (such as structural, functional, and spatial information, amino acid conservation, physicochemical variation, residue mobility, and thermodynamic stability) performed at Invitae indicates that this missense variant is not expected to disrupt RAI1 protein function with a negative predictive value of 80%. In summary, the available evidence is currently insufficient to determine the role of this variant in disease. Therefore, it has been classified as a Variant of Uncertain Significance.